The following is an entry in ClinVar:

ClinVar aggregate classification (germline): Uncertain significance (1 of 4 stars; one submission).

gnomAD v4.1: 7 of 1,537,148 alleles (0.00046%); highest among the groups gnomAD compares: Non-Finnish European, 0.00061%; no homozygotes.

Submission:

Women's Health and Genetics/Laboratory Corporation of America, LabCorp
Classification: Uncertain significance. Last evaluated: 2024-06-10. Review status: criteria provided, single submitter. Criteria: LabCorp Variant Classification Summary - May 2015. Collection method: clinical testing. Allele origin: germline.
Comment: Variant summary: PIEZO2 c.2007G>T (p.Gln669His) results in a non-conservative amino acid change in the encoded protein sequence. Three of four in-silico tools predict a damaging effect of the variant on protein function. The variant allele was found at a frequency of 7e-06 in 142210 control chromosomes. The available data on variant occurrences in the general population are insufficient to allow any conclusion about variant significance. To our knowledge, no occurrence of c.2007G>T in individuals affected with PIEZO2-Related Disorders and no experimental evidence demonstrating its impact on protein function have been reported. No submitters have cited clinical-significance assessments for this variant to ClinVar. Based on the evidence outlined above, the variant was classified as uncertain significance.

NM_001378183.1(PIEZO2):c.2007G>T (p.Gln669His)

Gene: PIEZO2 (piezo type mechanosensitive ion channel component 2; minus strand). Cytogenetic location: 18p11.22.
Variant type: single nucleotide variant.
Coding change: c.2007G>T on transcript NM_001378183.1 (MANE Select); coding-DNA position 2007, G replaced by T.
Protein change: p.Gln669His; replaces glutamine 669 with histidine.
Molecular consequence: missense variant.
Genome position (GRCh38, 1-based): chr18:10,789,241, C>A on the plus strand (G>T on the coding strand, the complement: PIEZO2 is on the minus strand). VCF-style: chr18-10789241-C-A. GRCh37 (hg19) VCF-style: chr18-10789239-C-A.
Other names: c.2007G>T, p.Gln669His (NM_001410871.1, NM_022068.4); short protein forms Q669H.
Identifiers: ClinVar variation 3339657 (VCV003339657.1).